The following is an entry in ClinVar:

ClinVar aggregate classification (germline): Uncertain significance. Review status: criteria provided, multiple submitters, no conflicts (2 of 4 stars). 2 submissions from 2 submitters: Uncertain significance (2). Last evaluated 2024-02-01.

Conditions:
Renal hypomagnesemia 2 (HOMG2). Also called: MAGNESIUM LOSS, ISOLATED RENAL. Identifiers: Orphanet 34528, MedGen C1835171, MONDO:0007937, OMIM 154020.

Allele frequency attached by ClinVar (database versions not stated): ExAC 0.00003; gnomAD exomes 0.00003; gnomAD 0.00005 and 0.00006; ESP Exome Variant Server 0.00015.
gnomAD v4.1: 33 of 1,612,360 alleles (0.002%); highest among the groups gnomAD compares: African/African-American, 0.012%; no homozygotes.

Submissions (2):

Fulgent Genetics
Classification: Uncertain significance for Renal hypomagnesemia 2. Last evaluated: 2024-02-01. Review status: criteria provided, single submitter. Criteria: ACMG Guidelines, 2015. Collection method: clinical testing. Allele origin: germline.

Labcorp Genetics (formerly Invitae), Labcorp
Classification: Uncertain significance. Last evaluated: 2021-05-26. Review status: criteria provided, single submitter. Criteria: Invitae Variant Classification Sherloc (09022015). Collection method: clinical testing. Allele origin: germline.
Comment: This sequence change falls in intron 4 of the FXYD2 gene. It does not directly change the encoded amino acid sequence of the FXYD2 protein. It affects a nucleotide within the consensus splice site of the intron. This variant is present in population databases (rs368170451, ExAC 0.02%). This variant has not been reported in the literature in individuals with FXYD2-related conditions. Nucleotide substitutions within the consensus splice site are a relatively common cause of aberrant splicing (PMID: 17576681, 9536098). Algorithms developed to predict the effect of sequence changes on RNA splicing suggest that this variant is not likely to affect RNA splicing, but this prediction has not been confirmed by published transcriptional studies. In summary, the available evidence is currently insufficient to determine the role of this variant in disease. Therefore, it has been classified as a Variant of Uncertain Significance.

Literature cited by the submitters: PubMed 17576681 (cited by Labcorp Genetics (formerly Invitae), Labcorp); PubMed 9536098 (cited by Labcorp Genetics (formerly Invitae), Labcorp).

NM_001680.5(FXYD2):c.176+6C>T

Genes: FXYD6-FXYD2 (FXYD6-FXYD2 readthrough; minus strand), FXYD2 (FXYD domain containing ion transport regulator 2; minus strand). Cytogenetic location: 11q23.3.
Variant type: single nucleotide variant.
Coding change: c.176+6C>T on transcript NM_001680.5 (MANE Select); 6 bases into the intron after coding-DNA position 176, C replaced by T.
Molecular consequence: intron variant.
Genome position (GRCh38, 1-based): chr11:117,820,853, G>A on the plus strand (C>T on the coding strand, the complement: FXYD2 is on the minus strand). VCF-style: chr11-117820853-G-A. GRCh37 (hg19) VCF-style: chr11-117691568-G-A.
Other names: c.*9+6C>T (NM_001243598.4); c.410+6C>T (NM_001204268.3); c.170+6C>T (NM_021603.4).
Identifiers: ClinVar variation 1360349 (VCV001360349.4), dbSNP rs368170451, ClinGen allele CA6297770.